The following is an entry in ClinVar:

ClinVar aggregate classification (germline): Uncertain significance (1 of 4 stars; one submission).

Conditions:
Hereditary cancer-predisposing syndrome. Also called: Hereditary neoplastic syndrome; Tumor predisposition; Hereditary Cancer Syndrome; Neoplastic Syndromes, Hereditary. Identifiers: Orphanet 140162, MedGen C0027672, MeSH D009386, MONDO:0015356.

Allele frequency attached by ClinVar (database versions not stated): gnomAD 0.00001.
gnomAD v4.1: 1 of 1,611,910 alleles (0.000062%); highest among the groups gnomAD compares: African/African-American, 0.0013%; no homozygotes.

Submission:

Ambry Genetics
Classification: Uncertain significance for Hereditary cancer-predisposing syndrome. Last evaluated: 2023-06-17. Review status: criteria provided, single submitter. Criteria: Ambry Variant Classification Scheme 2023. Collection method: clinical testing. Allele origin: germline.
Comment: The p.T357A variant (also known as c.1069A>G), located in coding exon 10 of the PMS2 gene, results from an A to G substitution at nucleotide position 1069. The threonine at codon 357 is replaced by alanine, an amino acid with similar properties. This amino acid position is conserved. In addition, the in silico prediction for this alteration is inconclusive. Since supporting evidence is limited at this time, the clinical significance of this alteration remains unclear.

NM_000535.7(PMS2):c.1069A>G (p.Thr357Ala)

Gene: PMS2 (PMS1 homolog 2, mismatch repair system component; minus strand). Cytogenetic location: 7p22.1.
Variant type: single nucleotide variant.
Coding change: c.1069A>G on transcript NM_000535.7 (MANE Select); coding-DNA position 1069, A replaced by G.
Protein change: p.Thr357Ala; replaces threonine 357 with alanine.
Molecular consequence: missense variant. On other transcripts: non-coding transcript variant (1), intron variant (10).
Genome position (GRCh38, 1-based): chr7:5,989,875, T>C on the plus strand (A>G on the coding strand, the complement: PMS2 is on the minus strand). VCF-style: chr7-5989875-T-C. GRCh37 (hg19) VCF-style: chr7-6029506-T-C.
Other names: c.664A>G, p.Thr222Ala (NM_001018040.1, NM_001322003.2, NM_001322004.2 and 17 more transcripts); c.751A>G, p.Thr251Ala (NM_001322007.2, NM_001322008.2, NM_001406876.1 and 2 more transcripts); c.136A>G, p.Thr46Ala (NM_001322011.2, NM_001322012.2); c.496A>G, p.Thr166Ala (NM_001322013.2, NM_001406909.1); c.1069A>G, p.Thr357Ala (NM_001322014.2, NM_001406871.1, NM_001406872.1); c.760A>G, p.Thr254Ala (NM_001322015.2, NM_001406875.1, NM_001406877.1 and 5 more transcripts); c.1255A>G, p.Thr419Ala (NM_001406866.1); c.1093A>G, p.Thr365Ala (NM_001406868.1); and 13 more; short protein forms T245A, T254A, T301A, T357A, T365A, T46A, T166A, T186A.
Identifiers: ClinVar variation 2586328 (VCV002586328.2), dbSNP rs1371037211, ClinGen allele CA366742872.